The following is an entry in ClinVar:

NM_033163.5(FGF8):c.281T>C (p.Val94Ala)

Gene: FGF8 (fibroblast growth factor 8; minus strand). Cytogenetic location: 10q24.32.
Variant type: single nucleotide variant.
Coding change: c.281T>C on transcript NM_033163.5 (MANE Select); coding-DNA position 281, T replaced by C.
Protein change: p.Val94Ala; replaces valine 94 with alanine.
Molecular consequence: missense variant. On other transcripts: 5 prime UTR variant (1).
Genome position (GRCh38, 1-based): chr10:101,774,788, A>G on the plus strand (T>C on the coding strand, the complement: FGF8 is on the minus strand). VCF-style: chr10-101774788-A-G. GRCh37 (hg19) VCF-style: chr10-103534545-A-G.
Other names: c.-32T>C (NM_001206389.2); c.194T>C, p.Val65Ala (NM_006119.6); c.248T>C, p.Val83Ala (NM_033164.4); c.161T>C, p.Val54Ala (NM_033165.5); short protein forms V54A, V65A, V83A, V94A.
Identifiers: ClinVar variation 1307233 (VCV001307233.2), dbSNP rs2134999463, ClinGen allele CA377836499.

ClinVar aggregate classification (germline): Uncertain significance (1 of 4 stars; one submission).

Submission:

GeneDx
Classification: Uncertain significance. Last evaluated: 2021-01-05. Review status: criteria provided, single submitter. Criteria: GeneDx Variant Classification Process June 2021. Collection method: clinical testing. Allele origin: germline. Affected: yes.
Comment: Not observed in large population cohorts (Lek et al., 2016); In silico analysis, which includes protein predictors and evolutionary conservation, supports a deleterious effect; Has not been previously published as pathogenic or benign to our knowledge